The following is an entry in ClinVar:

ClinVar aggregate classification (germline): Uncertain significance (1 of 4 stars; one submission).

Conditions:
PHF6-related disorder. Also called: PHF6-related condition.

gnomAD v4.1: 1 of 1,211,092 alleles (0.000083%); highest among the groups gnomAD compares: Middle Eastern, 0.023%; no homozygotes.

Submission:

PreventionGenetics, part of Exact Sciences
Classification: Uncertain significance for PHF6-related condition. Last evaluated: 2026-07-07. Review status: criteria provided, single submitter. Criteria: ACMG Guidelines, 2015. Collection method: clinical testing. Allele origin: germline.
Comment: The PHF6 c.1055T>C variant is predicted to result in the amino acid substitution p.Ile352Thr. To our knowledge, this variant has not been reported in the literature or in a large population database, indicating this variant is rare. At this time, the clinical significance of this variant is uncertain due to the absence of conclusive functional and genetic evidence.

NM_001015877.2(PHF6):c.1055T>C (p.Ile352Thr)

Gene: PHF6 (PHD finger protein 6; plus strand). Cytogenetic location: Xq26.2.
Variant type: single nucleotide variant.
Coding change: c.1055T>C on transcript NM_001015877.2 (MANE Select); coding-DNA position 1055, T replaced by C.
Protein change: p.Ile352Thr; replaces isoleucine 352 with threonine.
Molecular consequence: missense variant.
Genome position (GRCh38, 1-based): chrX:134,425,287, T>C. VCF-style: chrX-134425287-T-C. GRCh37 (hg19) VCF-style: chrX-133559317-T-C.
Other names: c.1055T>C, p.Ile352Thr (NM_032458.3); short protein forms I352T.
Identifiers: ClinVar variation 4978684 (VCV004978684.1).